The following is an entry in ClinVar:

NM_006158.5(NEFL):c.*1806T>C

Gene: NEFL (neurofilament light chain; minus strand). Cytogenetic location: 8p21.2.
Variant type: single nucleotide variant.
Coding change: c.*1806T>C on transcript NM_006158.5 (MANE Select); 1806 bases downstream of the stop codon, T replaced by C.
Molecular consequence: 3 prime UTR variant.
Genome position (GRCh38, 1-based): chr8:24,951,004, A>G on the plus strand (T>C on the coding strand, the complement: NEFL is on the minus strand). VCF-style: chr8-24951004-A-G. GRCh37 (hg19) VCF-style: chr8-24808517-A-G.
Identifiers: ClinVar variation 362615 (VCV000362615.5), dbSNP rs192937928, ClinGen allele CA10630768.
Genomic context (GRCh38, chr8:24,951,004, plus strand): 5'-TTTAAGCTCAATTTAGGTTTTTTACTATTTTATTATGGCACACAGGATAGAGGATGGTAC[A>G]GTTTTCTTACTTCAACCAAGTAATTCTCAAAGCATCCAGCTATTTCCATTTGGCTAAAGT-3'

ClinVar aggregate classification (germline): Benign (1 of 4 stars; one submission).

Conditions:
Charcot-Marie-Tooth disease type 1F. Also called: CHARCOT-MARIE-TOOTH NEUROPATHY, TYPE 1F; Charcot-Marie-Tooth disease, demyelinating, type 1f. Identifiers: Orphanet 101085, MedGen C1843164, MONDO:0011902, OMIM 607734.

Allele frequency attached by ClinVar (database versions not stated): gnomAD 0.00021 and 0.00029; TOPMed 0.00025; 1000 Genomes Project 30x 0.00219; 1000 Genomes Project 0.00240.

Submission:

Illumina Laboratory Services, Illumina
Classification: Benign for Charcot-Marie-Tooth disease type 1F. Last evaluated: 2018-01-12. Review status: criteria provided, single submitter. Criteria: ICSL Variant Classification Criteria 13 December 2019. Collection method: clinical testing. Allele origin: germline.
Comment: This variant was observed in the ICSL laboratory as part of a predisposition screen in an ostensibly healthy population. It had not been previously curated by ICSL or reported in the Human Gene Mutation Database (HGMD: prior to June 1st, 2018), and was therefore a candidate for classification through an automated scoring system. Utilizing variant allele frequency, disease prevalence and penetrance estimates, and inheritance mode, an automated score was calculated to assess if this variant is too frequent to cause the disease. Based on the score and internal cut-off values, a variant classified as benign is not then subjected to further curation. The score for this variant resulted in a classification of benign for this disease.